The following is an entry in ClinVar:

NM_024642.5(GALNT12):c.74T>C (p.Leu25Pro)

Genes: GALNT12 (polypeptide N-acetylgalactosaminyltransferase 12; plus strand), LOC130002222 (ATAC-STARR-seq lymphoblastoid silent region 20123; plus strand). Cytogenetic location: 9q22.33.
Variant type: single nucleotide variant.
Coding change: c.74T>C on transcript NM_024642.5 (MANE Select); coding-DNA position 74, T replaced by C.
Protein change: p.Leu25Pro; replaces leucine 25 with proline.
Molecular consequence: missense variant.
Genome position (GRCh38, 1-based): chr9:98,807,772, T>C. VCF-style: chr9-98807772-T-C. GRCh37 (hg19) VCF-style: chr9-101570054-T-C.
Other names: short protein forms L25P.
Identifiers: ClinVar variation 3227959 (VCV003227959.1), dbSNP rs1835406969, ClinGen allele CA374222191.

ClinVar aggregate classification (germline): Uncertain significance (1 of 4 stars; one submission).

Allele frequency attached by ClinVar (database versions not stated): TOPMed below 0.00001; gnomAD exomes 0.00001.
gnomAD v4.1: 1 of 1,157,772 alleles (0.000086%); highest among the groups gnomAD compares: Non-Finnish European, 0.00011%; no homozygotes.

Submission:

Ambry Genetics
Classification: Uncertain significance. Last evaluated: 2023-11-07. Review status: criteria provided, single submitter. Criteria: Ambry Variant Classification Scheme 2023. Collection method: clinical testing. Allele origin: germline.
Comment: The p.L25P variant (also known as c.74T>C), located in coding exon 1 of the GALNT12 gene, results from a T to C substitution at nucleotide position 74. The leucine at codon 25 is replaced by proline, an amino acid with similar properties. In addition, this alteration is predicted to be tolerated by in silico analysis. The evidence for this gene-disease relationship is limited; therefore, the clinical significance of this alteration is unclear.